The following is an entry in ClinVar:

ClinVar aggregate classification (germline): Likely pathogenic. Review status: criteria provided, multiple submitters, no conflicts (2 of 4 stars). 2 submissions from 2 submitters: Likely pathogenic (2). Last evaluated 2024-07-01.

Conditions:
Microphthalmia, syndromic 12 (MCOPS12). Also called: MICROPHTHALMIA WITH OR WITHOUT PULMONARY HYPOPLASIA, DIAPHRAGMATIC HERNIA, AND/OR CARDIAC DEFECTS. Identifiers: Orphanet 2470, Orphanet 689829, MedGen C3809803, MONDO:0014229, OMIM 615524.

Submissions (2):

CeGaT Center for Human Genetics Tuebingen
Classification: Likely pathogenic. Last evaluated: 2024-07-01. Review status: criteria provided, single submitter. Criteria: CeGaT Center For Human Genetics Tuebingen Variant Classification Criteria Version 2. Collection method: clinical testing. Allele origin: germline. Affected: yes. Observed: 1 variant allele.
Comment: RARB: PM2, PS2:Moderate, PS4:Moderate, PS3:Supporting

Genetics Department, University Hospital of Toulouse
Classification: Likely pathogenic for Microphthalmia, syndromic 12. Last evaluated: 2020-11-26. Review status: criteria provided, single submitter. Criteria: ACMG Guidelines, 2015. Collection method: clinical testing. Allele origin: germline. Affected: yes. Observed: 1 variant allele.
Comment: PM2, PP2, PP3

NM_000965.5(RARB):c.1151G>A (p.Gly384Asp)

Gene: RARB (retinoic acid receptor beta; plus strand). Cytogenetic location: 3p24.2.
Variant type: single nucleotide variant.
Coding change: c.1151G>A on transcript NM_000965.5 (MANE Select); coding-DNA position 1151, G replaced by A.
Protein change: p.Gly384Asp; replaces glycine 384 with aspartic acid.
Molecular consequence: missense variant. On other transcripts: non-coding transcript variant (2).
Genome position (GRCh38, 1-based): chr3:25,596,420, G>A. VCF-style: chr3-25596420-G-A. GRCh37 (hg19) VCF-style: chr3-25637911-G-A.
Other names: c.1172G>A, p.Gly391Asp (NM_001290216.3); c.815G>A, p.Gly272Asp (NM_001290217.2, NM_001290276.2, NM_016152.4); c.1004G>A, p.Gly335Asp (NM_001290266.2); c.1013G>A, p.Gly338Asp (NM_001290277.1); c.1022G>A, p.Gly341Asp (NM_001290300.2); short protein forms G272D, G335D, G338D, G341D, G384D, G391D.
Identifiers: ClinVar variation 988076 (VCV000988076.18), dbSNP rs1701834292, ClinGen allele CA351889053.